The following is an entry in ClinVar:

ClinVar aggregate classification (germline): Uncertain significance (1 of 4 stars; one submission).

Conditions:
Progressive myoclonic epilepsy type 8. Identifiers: Orphanet 424027, MedGen C5190825, MONDO:0014545, OMIM 616230.

Submission:

Labcorp Genetics (formerly Invitae), Labcorp
Classification: Uncertain significance for Progressive myoclonic epilepsy type 8. Last evaluated: 2024-07-29. Review status: criteria provided, single submitter. Criteria: Invitae Variant Classification Sherloc (09022015). Collection method: clinical testing. Allele origin: germline.
Comment: This sequence change replaces methionine, which is neutral and non-polar, with valine, which is neutral and non-polar, at codon 16 of the CERS1 protein (p.Met16Val). The frequency data for this variant in the population databases is considered unreliable, as metrics indicate insufficient coverage at this position in the gnomAD database. This variant has not been reported in the literature in individuals affected with CERS1-related conditions. ClinVar contains an entry for this variant (Variation ID: 1353008). Experimental studies and prediction algorithms are not available or were not evaluated, and the functional significance of this variant is currently unknown. In summary, the available evidence is currently insufficient to determine the role of this variant in disease. Therefore, it has been classified as a Variant of Uncertain Significance.

NM_021267.5(CERS1):c.46A>G (p.Met16Val)

Genes: CERS1 (ceramide synthase 1; minus strand), GDF1 (growth differentiation factor 1; minus strand). Cytogenetic location: 19p13.11.
Variant type: single nucleotide variant.
Coding change: c.46A>G on transcript NM_021267.5 (MANE Select); coding-DNA position 46, A replaced by G.
Protein change: p.Met16Val; replaces methionine 16 with valine.
Molecular consequence: missense variant. On other transcripts: 5 prime UTR variant (4), intron variant (3).
Genome position (GRCh38, 1-based): chr19:18,896,027, T>C on the plus strand (A>G on the coding strand, the complement: CERS1 is on the minus strand). VCF-style: chr19-18896027-T-C. GRCh37 (hg19) VCF-style: chr19-19006836-T-C.
Other names: c.46A>G, p.Met16Val (NM_001387439.1, NM_001387440.1, NM_001387441.1 and 1 more transcripts); c.-483A>G (NM_001387444.1); c.-430A>G (NM_001387445.1); c.-857A>G (NM_001387438.1); c.-1277A>G (NM_001492.6); c.-46+699A>G (NM_001387443.1); c.-46+534A>G (NM_001387442.1, NM_001290265.2); short protein forms M16V.
Identifiers: ClinVar variation 1353008 (VCV001353008.8), dbSNP rs2146085001, ClinGen allele CA404868846.